The following is an entry in ClinVar:

ClinVar aggregate classification (germline): Pathogenic (0 of 4 stars; one submission).

Conditions:
Amelogenesis imperfecta (AI). Also called: Congenital enamel hypoplasia. Identifiers: Orphanet 88661, MedGen C0002452, MONDO:0019507, HP:0000705.

Submission:

Dental Genetics Laboratory, Seoul National University School of Dentistry
Classification: Pathogenic for Amelogenesis imperfecta. Review status: no assertion criteria provided. Collection method: clinical testing. Allele origin: inherited. Inheritance: X-linked dominant inheritance. Affected: yes.
Comment: This mutation was not reported in any public databases, including dbSNP and gnomAD. In silico analysis predicted the variant to be pathogenic: disease-causing by MutationTaster, probably damaging by PolyPhen-2 with a score of 0.999, and a CADD PHRED score of 23.9 (GRCh38-v1.7). The asparagine at this position is completely conserved among homologs. The segregation in the family was confirmed. Recent study has demonstrated that the GYINFSYE sequence within the N-terminus of AMELX plays a pivotal role in nanoribbon self-assembly and β-sheet formation.

NM_001142.2(AMELX):c.88A>C (p.Asn30His)

Genes: AMELX (amelogenin X-linked; plus strand), ARHGAP6 (Rho GTPase activating protein 6; minus strand). Cytogenetic location: Xp22.2.
Variant type: single nucleotide variant.
Coding change: c.88A>C on transcript NM_001142.2 (MANE Select); coding-DNA position 88, A replaced by C.
Protein change: p.Asn30His; replaces asparagine 30 with histidine.
Molecular consequence: missense variant. On other transcripts: intron variant (4).
Genome position (GRCh38, 1-based): chrX:11,296,812, A>C. VCF-style: chrX-11296812-A-C. GRCh37 (hg19) VCF-style: chrX-11314932-A-C.
Other names: c.88A>C, p.Asn30His (NM_182680.1); c.589-42105T>G (NM_013427.3, NM_006125.3); c.49-42105T>G (NM_001287242.2); c.55-1424A>C (NM_182681.1); short protein forms N30H.
Identifiers: ClinVar variation 3901265 (VCV003901265.1).